The following is an entry in ClinVar:

ClinVar aggregate classification (germline): Benign. Review status: criteria provided, multiple submitters, no conflicts (2 of 4 stars). 3 submissions from 3 submitters: Benign (2). 1 of the submissions does not count toward it. Last evaluated 2019-12-31.

Conditions:
PXDNL-related disorder. Also called: PXDNL-related condition.

Allele frequency attached by ClinVar (database versions not stated): gnomAD exomes 0.00072 and 0.00213; ExAC 0.00224; ESP Exome Variant Server 0.00800; gnomAD 0.00827 and 0.00885; 1000 Genomes Project 0.00879; TOPMed 0.00909; 1000 Genomes Project 30x 0.00953.
gnomAD v4.1: 2,363 of 1,595,844 alleles (0.15%); highest among the groups gnomAD compares: African/African-American, 2.7%; 27 homozygotes.

Submissions (3):

Labcorp Genetics (formerly Invitae), Labcorp
Classification: Benign. Last evaluated: 2019-12-31. Review status: criteria provided, single submitter. Criteria: Invitae Variant Classification Sherloc (09022015). Collection method: clinical testing. Allele origin: germline.

Breakthrough Genomics
Classification: Benign. Review status: criteria provided, single submitter. Criteria: ACMG Guidelines, 2015. Collection method: not provided. Allele origin: germline. Inheritance: Unknown mechanism. Affected: yes.

PreventionGenetics, part of Exact Sciences
Classification: Benign for PXDNL-related condition. Last evaluated: 2020-01-06. Review status: no assertion criteria provided. Collection method: clinical testing. Allele origin: germline. Not counted in ClinVar's aggregate classification.
Comment: This variant is classified as benign based on ACMG/AMP sequence variant interpretation guidelines (Richards et al. 2015 PMID: 25741868, with internal and published modifications).

NM_144651.5(PXDNL):c.4025A>C (p.Asp1342Ala)

Gene: PXDNL (peroxidasin like; minus strand). Cytogenetic location: 8q11.22.
Variant type: single nucleotide variant.
Coding change: c.4025A>C on transcript NM_144651.5 (MANE Select); coding-DNA position 4025, A replaced by C.
Protein change: p.Asp1342Ala; replaces aspartic acid 1342 with alanine.
Molecular consequence: missense variant.
Genome position (GRCh38, 1-based): chr8:51,339,745, T>G on the plus strand (A>C on the coding strand, the complement: PXDNL is on the minus strand). VCF-style: chr8-51339745-T-G. GRCh37 (hg19) VCF-style: chr8-52252305-T-G.
Other names: short protein forms D1342A.
Identifiers: ClinVar variation 792106 (VCV000792106.7), dbSNP rs141860007, ClinGen allele CA4744593.